The following is an entry in ClinVar:

ClinVar aggregate classification (germline): Pathogenic (1 of 4 stars; one submission).

Conditions:
Osteogenesis imperfecta type 8 (OI8). Identifiers: MedGen C1970458, MONDO:0012581, OMIM 610915.

Submission:

Labcorp Genetics (formerly Invitae), Labcorp
Classification: Pathogenic for Osteogenesis imperfecta type 8. Last evaluated: 2025-02-24. Review status: criteria provided, single submitter. Criteria: Invitae Variant Classification Sherloc (09022015). Collection method: clinical testing. Allele origin: germline.
Comment: This sequence change creates a premature translational stop signal (p.Glu247*) in the P3H1 gene. It is expected to result in an absent or disrupted protein product. Loss-of-function variants in P3H1 are known to be pathogenic (PMID: 17277775, 18566967, 19088120, 22281939). This variant is not present in population databases (gnomAD no frequency). This variant has not been reported in the literature in individuals affected with P3H1-related conditions. ClinVar contains an entry for this variant (Variation ID: 2903678). For these reasons, this variant has been classified as Pathogenic.

Literature cited by the submitters: PubMed 17277775; PubMed 18566967; PubMed 19088120; PubMed 22281939.

NM_022356.4(P3H1):c.739G>T (p.Glu247Ter)

Gene: P3H1 (prolyl 3-hydroxylase 1; minus strand). Cytogenetic location: 1p34.2.
Variant type: single nucleotide variant.
Coding change: c.739G>T on transcript NM_022356.4 (MANE Select); coding-DNA position 739, G replaced by T.
Protein change: p.Glu247Ter; replaces glutamic acid 247 with a stop codon.
Molecular consequence: nonsense.
Genome position (GRCh38, 1-based): chr1:42,759,270, C>A on the plus strand (G>T on the coding strand, the complement: P3H1 is on the minus strand). VCF-style: chr1-42759270-C-A. GRCh37 (hg19) VCF-style: chr1-43224941-C-A.
Other names: c.739G>T, p.Glu247Ter (NM_001146289.2, NM_001243246.2); short protein forms E247*.
Identifiers: ClinVar variation 2903678 (VCV002903678.3), dbSNP rs760265361, ClinGen allele CA339959860.
Genomic context (GRCh38, chr1:42,759,270, plus strand): 5'-CCTGGAAGAGGTCAGCGTTGTACTCAAGGTAGTTGTAGCCATCGTAGTCATAGGGCCCTT[C>A]GCAGAGGGCACGGCACTCCTCATAGGCCACAAAGTATTCTTGCAGCGCCGCCTCTAGGTG-3'